The following is an entry in ClinVar:

ClinVar aggregate classification (germline): Likely benign. Review status: criteria provided, multiple submitters, no conflicts (2 of 4 stars). 3 submissions from 3 submitters: Likely benign (3). Last evaluated 2025-08-18.

Conditions:
IFT140-related disorder. Also called: IFT140-related condition.
Saldino-Mainzer syndrome (SRTD9). Also called: Renal dysplasia, retinal pigmentary dystrophy, cerebellar ataxia and skeletal dysplasia; short-rib thoracic dysplasia 9 with or without polydactyly; CONORENAL SYNDROME; SHORT-RIB THORACIC DYSPLASIA 9 WITHOUT POLYDACTYLY. Identifiers: Orphanet 140969, MedGen C1849437, MONDO:0009964, OMIM 266920.

Allele frequency attached by ClinVar (database versions not stated): gnomAD exomes 0.00001; TOPMed 0.00004; gnomAD 0.00005; 1000 Genomes Project 30x 0.00016.
gnomAD v4.1: 22 of 1,610,720 alleles (0.0014%); highest among the groups gnomAD compares: African/African-American, 0.011%; no homozygotes.

Submissions (3):

PreventionGenetics, part of Exact Sciences
Classification: Likely benign for IFT140-related condition. Last evaluated: 2025-08-18. Review status: criteria provided, single submitter. Criteria: ACMG Guidelines, 2015. Collection method: clinical testing. Allele origin: germline.
Comment: This variant is classified as likely benign based on ACMG/AMP sequence variant interpretation guidelines (Richards et al. 2015 PMID: 25741868, with internal and published modifications).

Labcorp Genetics (formerly Invitae), Labcorp
Classification: Likely benign for Saldino-Mainzer syndrome. Last evaluated: 2025-05-25. Review status: criteria provided, single submitter. Criteria: Invitae Variant Classification Sherloc (09022015). Collection method: clinical testing. Allele origin: germline.

Blueprint Genetics
Classification: Likely benign. Last evaluated: 2019-04-03. Review status: criteria provided, single submitter. Criteria: ACMG Guidelines, 2015. Collection method: clinical testing. Allele origin: germline.

NM_014714.4(IFT140):c.4242C>T (p.Tyr1414=)

Gene: IFT140 (intraflagellar transport 140; minus strand). Cytogenetic location: 16p13.3.
Variant type: single nucleotide variant.
Coding change: c.4242C>T on transcript NM_014714.4 (MANE Select); coding-DNA position 4242, C replaced by T.
Protein change: p.Tyr1414=; no amino-acid change (tyrosine 1414 retained).
Molecular consequence: synonymous variant.
Genome position (GRCh38, 1-based): chr16:1,511,091, G>A on the plus strand (C>T on the coding strand, the complement: IFT140 is on the minus strand). VCF-style: chr16-1511091-G-A. GRCh37 (hg19) VCF-style: chr16-1561092-G-A.
Other names: c.4242C>T (NM_014714.3).
Identifiers: ClinVar variation 2077957 (VCV002077957.6), dbSNP rs1340703438, ClinGen allele CA493031549.